The following is an entry in ClinVar:

NM_025074.7(FRAS1):c.9808A>T (p.Arg3270Trp)

Gene: FRAS1 (Fraser extracellular matrix complex subunit 1; plus strand). Cytogenetic location: 4q21.21.
Variant type: single nucleotide variant.
Coding change: c.9808A>T on transcript NM_025074.7 (MANE Select); coding-DNA position 9808, A replaced by T.
Protein change: p.Arg3270Trp; replaces arginine 3270 with tryptophan.
Molecular consequence: missense variant.
Genome position (GRCh38, 1-based): chr4:78,511,301, A>T. VCF-style: chr4-78511301-A-T. GRCh37 (hg19) VCF-style: chr4-79432455-A-T.
Other names: short protein forms R3270W.
Identifiers: ClinVar variation 1915946 (VCV001915946.3), dbSNP rs3749488, ClinGen allele CA357382017.

ClinVar aggregate classification (germline): Uncertain significance (1 of 4 stars; one submission).

Allele frequency attached by ClinVar (database versions not stated): 1000 Genomes Project 30x 0.00016.
gnomAD v4.1: 20 of 1,603,066 alleles (0.0012%); highest among the groups gnomAD compares: East Asian, 0.0022%; no homozygotes.

Submissions (2):

Labcorp Genetics (formerly Invitae), Labcorp
Classification: Uncertain significance. Last evaluated: 2022-05-11. Review status: criteria provided, single submitter. Criteria: Invitae Variant Classification Sherloc (09022015). Collection method: clinical testing. Allele origin: germline.
Comment: This sequence change replaces arginine, which is basic and polar, with tryptophan, which is neutral and slightly polar, at codon 3270 of the FRAS1 protein (p.Arg3270Trp). This variant is present in population databases (no rsID available, gnomAD 0.0009%). This variant has not been reported in the literature in individuals affected with FRAS1-related conditions. Algorithms developed to predict the effect of missense changes on protein structure and function (SIFT, PolyPhen-2, Align-GVGD) all suggest that this variant is likely to be disruptive. In summary, the available evidence is currently insufficient to determine the role of this variant in disease. Therefore, it has been classified as a Variant of Uncertain Significance.

Dr. Peter K. Rogan Lab, Western University
No classification provided (evidence only). Condition: Nonpapillary renal cell carcinoma. Review status: no classification provided. Collection method: in vitro. Allele origin: not applicable. Functional consequence: retained intron. Not counted in ClinVar's aggregate classification.